The following is an entry in ClinVar:

ClinVar aggregate classification (germline): Uncertain significance. Review status: criteria provided, multiple submitters, no conflicts (2 of 4 stars). 2 submissions from 2 submitters: Uncertain significance (2). Last evaluated 2025-09-10.

Conditions:
Episodic ataxia type 2 (EA2). Also called: ATAXIA, EPISODIC, WITH NYSTAGMUS; ATAXIA, FAMILIAL PAROXYSMAL; CEREBELLAR ATAXIA, PAROXYSMAL, ACETAZOLAMIDE-RESPONSIVE; CEREBELLOPATHY, HEREDITARY PAROXYSMAL; EPISODIC ATAXIA, NYSTAGMUS-ASSOCIATED; ACETAZOLAMIDE-RESPONSIVE HEREDITARY PAROXYSMAL CEREBELLAR ATAXIA. Identifiers: Orphanet 97, MedGen C1720416, MONDO:0007163, OMIM 108500.
Developmental and epileptic encephalopathy, 42 (DEE42A). Also called: DEVELOPMENTAL AND EPILEPTIC ENCEPHALOPATHY 42A; EPILEPTIC ENCEPHALOPATHY, EARLY INFANTILE, 42A; Epileptic encephalopathy, early infantile, 42. Identifiers: MedGen C4310716, MONDO:0014917, OMIM 617106.
Inborn genetic diseases. Identifiers: MedGen C0950123, MeSH D030342.

Allele frequency attached by ClinVar (database versions not stated): gnomAD exomes below 0.00001; TOPMed below 0.00001.

Submissions (2):

Ambry Genetics
Classification: Uncertain significance for Inborn genetic diseases. Last evaluated: 2025-09-10. Review status: criteria provided, single submitter. Criteria: Ambry Variant Classification Scheme 2023. Collection method: clinical testing. Allele origin: germline.

Labcorp Genetics (formerly Invitae), Labcorp
Classification: Uncertain significance for Developmental and epileptic encephalopathy, 42; Episodic ataxia type 2. Last evaluated: 2023-10-13. Review status: criteria provided, single submitter. Criteria: Invitae Variant Classification Sherloc (09022015). Collection method: clinical testing. Allele origin: germline.
Comment: This sequence change replaces histidine, which is basic and polar, with tyrosine, which is neutral and polar, at codon 2219 of the CACNA1A protein (p.His2219Tyr). The frequency data for this variant in the population databases is considered unreliable, as metrics indicate poor data quality at this position in the gnomAD database. This variant has not been reported in the literature in individuals affected with CACNA1A-related conditions. ClinVar contains an entry for this variant (Variation ID: 2421745). Advanced modeling of protein sequence and biophysical properties (such as structural, functional, and spatial information, amino acid conservation, physicochemical variation, residue mobility, and thermodynamic stability) performed at Invitae indicates that this missense variant is not expected to disrupt CACNA1A protein function. In summary, the available evidence is currently insufficient to determine the role of this variant in disease. Therefore, it has been classified as a Variant of Uncertain Significance.

NM_001127222.2(CACNA1A):c.6652C>T (p.His2218Tyr)

Gene: CACNA1A (calcium voltage-gated channel subunit alpha1 A; minus strand). Cytogenetic location: 19p13.13.
Variant type: single nucleotide variant.
Coding change: c.6652C>T on transcript NM_001127222.2 (MANE Select); coding-DNA position 6652, C replaced by T.
Protein change: p.His2218Tyr; replaces histidine 2218 with tyrosine.
Molecular consequence: missense variant.
Genome position (GRCh38, 1-based): chr19:13,208,884, G>A on the plus strand (C>T on the coding strand, the complement: CACNA1A is on the minus strand). VCF-style: chr19-13208884-G-A. GRCh37 (hg19) VCF-style: chr19-13319698-G-A.
Other names: c.6670C>T, p.His2224Tyr (NM_000068.4, NM_023035.3); c.6655C>T, p.His2219Tyr (NM_001127221.2); c.6661C>T, p.His2221Tyr (NM_001174080.2); short protein forms H2218Y, H2219Y, H2221Y, H2224Y.
Identifiers: ClinVar variation 2421745 (VCV002421745.9), dbSNP rs1235081926, ClinGen allele CA404330438.